The following is an entry in ClinVar:

NM_004628.5(XPC):c.399G>A (p.Trp133Ter)

Gene: XPC (XPC complex subunit, DNA damage recognition and repair factor; minus strand). Cytogenetic location: 3p25.1.
Variant type: single nucleotide variant.
Coding change: c.399G>A on transcript NM_004628.5 (MANE Select); coding-DNA position 399, G replaced by A.
Protein change: p.Trp133Ter; replaces tryptophan 133 with a stop codon.
Molecular consequence: nonsense. On other transcripts: 5 prime UTR variant (1), non-coding transcript variant (2).
Genome position (GRCh38, 1-based): chr3:14,170,451, C>T on the plus strand (G>A on the coding strand, the complement: XPC is on the minus strand). VCF-style: chr3-14170451-C-T. GRCh37 (hg19) VCF-style: chr3-14211951-C-T.
Other names: c.-57G>A (NM_001354726.2); c.399G>A, p.Trp133Ter (NM_001354727.2, NM_001354730.2); c.381G>A, p.Trp127Ter (NM_001354729.2); short protein forms W133*, W127*.
Identifiers: ClinVar variation 2702987 (VCV002702987.3), dbSNP rs2470295556, ClinGen allele CA351542746.
Genomic context (GRCh38, chr3:14,170,451, plus strand): 5'-AAACAAACAGAACCAAACAGTTCTGAAAACAAAGAAAGATGTTTCACCTTCAACCTCTTC[C>T]CAATCATTTTCACTTTCTTCCTCTTCTTCATTGCTGTCTTCATTCATGGTAGCCCCTCTC-3'

ClinVar aggregate classification (germline): Pathogenic (1 of 4 stars; one submission).

Submission:

Labcorp Genetics (formerly Invitae), Labcorp
Classification: Pathogenic. Last evaluated: 2023-12-13. Review status: criteria provided, single submitter. Criteria: Invitae Variant Classification Sherloc (09022015). Collection method: clinical testing. Allele origin: germline.
Comment: This sequence change creates a premature translational stop signal (p.Trp133*) in the XPC gene. It is expected to result in an absent or disrupted protein product. Loss-of-function variants in XPC are known to be pathogenic (PMID: 23173980, 25256075). This variant is not present in population databases (gnomAD no frequency). This variant has not been reported in the literature in individuals affected with XPC-related conditions. For these reasons, this variant has been classified as Pathogenic.

Literature cited by the submitters: PubMed 23173980; PubMed 25256075.